The following is an entry in ClinVar:

NM_001130987.2(DYSF):c.583C>G (p.Gln195Glu)

Gene: DYSF (dysferlin; plus strand). Cytogenetic location: 2p13.2.
Variant type: single nucleotide variant.
Coding change: c.583C>G on transcript NM_001130987.2 (MANE Select); coding-DNA position 583, C replaced by G.
Protein change: p.Gln195Glu; replaces glutamine 195 with glutamic acid.
Molecular consequence: missense variant.
Genome position (GRCh38, 1-based): chr2:71,513,745, C>G. VCF-style: chr2-71513745-C-G. GRCh37 (hg19) VCF-style: chr2-71740875-C-G.
Other names: c.490C>G, p.Gln164Glu (NM_001130455.2, NM_001130983.2, NM_001130984.2 and 1 more transcripts); c.487C>G, p.Gln163Glu (NM_001130976.2, NM_001130977.2, NM_001130978.2 and 1 more transcripts); c.580C>G, p.Gln194Glu (NM_001130979.2, NM_001130980.2, NM_001130981.2); c.583C>G, p.Gln195Glu (NM_001130982.2, NM_001130985.2); short protein forms Q163E, Q194E, Q195E, Q164E.
Identifiers: ClinVar variation 856723 (VCV000856723.9), dbSNP rs768872906, ClinGen allele CA1705384.

ClinVar aggregate classification (germline): Uncertain significance (1 of 4 stars; one submission).

Conditions:
Neuromuscular disease caused by qualitative or quantitative defects of dysferlin. Also called: Qualitative or quantitative defects of dysferlin; Dysferlinopathy. Identifiers: Orphanet 207073, MedGen C2931687, MONDO:0016145.

Allele frequency attached by ClinVar (database versions not stated): gnomAD exomes below 0.00001 and 0.00001; ExAC 0.00002.
gnomAD v4.1: 1 of 1,614,130 alleles (0.000062%); highest among the groups gnomAD compares: South Asian, 0.0011%; no homozygotes.

Submission:

Labcorp Genetics (formerly Invitae), Labcorp
Classification: Uncertain significance for Neuromuscular disease caused by qualitative or quantitative defects of dysferlin. Last evaluated: 2019-04-11. Review status: criteria provided, single submitter. Criteria: Invitae Variant Classification Sherloc (09022015). Collection method: clinical testing. Allele origin: germline.
Comment: In summary, the available evidence is currently insufficient to determine the role of this variant in disease. Therefore, it has been classified as a Variant of Uncertain Significance. This sequence change replaces glutamine with glutamic acid at codon 163 of the DYSF protein (p.Gln163Glu). The glutamine residue is moderately conserved and there is a small physicochemical difference between glutamine and glutamic acid. This variant is present in population databases (rs768872906, ExAC 0.02%). This variant has not been reported in the literature in individuals with DYSF-related conditions. Algorithms developed to predict the effect of missense changes on protein structure and function (SIFT, PolyPhen-2, Align-GVGD) all suggest that this variant is likely to be tolerated, but these predictions have not been confirmed by published functional studies and their clinical significance is uncertain.